The following is an entry in ClinVar:

NM_000137.4(FAH):c.237G>A (p.Lys79=)

Gene: FAH (fumarylacetoacetate hydrolase; plus strand). Cytogenetic location: 15q25.1.
Variant type: single nucleotide variant.
Coding change: c.237G>A on transcript NM_000137.4 (MANE Select); coding-DNA position 237, G replaced by A.
Protein change: p.Lys79=; no amino-acid change (lysine 79 retained).
Molecular consequence: synonymous variant.
Genome position (GRCh38, 1-based): chr15:80,159,800, G>A. VCF-style: chr15-80159800-G-A. GRCh37 (hg19) VCF-style: chr15-80452142-G-A.
Other names: c.237G>A, p.Lys79= (NM_001374377.1, NM_001374380.1); c.237G>A (NM_000137.2).
Identifiers: ClinVar variation 596360 (VCV000596360.14), dbSNP rs1490117712, ClinGen allele CA491675279.

ClinVar aggregate classification (germline): Conflicting classifications of pathogenicity. Review status: criteria provided, conflicting classifications (1 of 4 stars). 3 submissions from 3 submitters: Uncertain significance (1); Likely benign (1). 1 of the submissions does not count toward it. Last evaluated 2024-03-02.

Conditions:
FAH-related disorder. Also called: FAH-related condition.
Tyrosinemia type I (TYRSN1). Also called: Tyrosinemia type 1; Fumarylacetoacetase deficiency; Deficiency of fumarylacetoacetase; FAH DEFICIENCY; HEPATORENAL TYROSINEMIA. Identifiers: Orphanet 882, MedGen C0268490, MONDO:0010161, OMIM 276700. Disease mechanism: loss of function.

Allele frequency attached by ClinVar (database versions not stated): gnomAD exomes below 0.00001 and 0.00001; gnomAD 0.00001 and 0.00002; TOPMed 0.00002.
gnomAD v4.1: 11 of 1,614,248 alleles (0.00068%); highest among the groups gnomAD compares: East Asian, 0.0022%; no homozygotes.

Submissions (3):

Labcorp Genetics (formerly Invitae), Labcorp
Classification: Likely benign for Tyrosinemia type I. Last evaluated: 2024-03-02. Review status: criteria provided, single submitter. Criteria: Invitae Variant Classification Sherloc (09022015). Collection method: clinical testing. Allele origin: germline.

Eurofins Ntd Llc (ga)
Classification: Uncertain significance. Last evaluated: 2018-03-20. Review status: criteria provided, single submitter. Criteria: EGL ClinVar v180209 classification definitions. Collection method: clinical testing. Allele origin: germline. Observed: 1 variant allele, 1 heterozygote.

PreventionGenetics, part of Exact Sciences
Classification: Likely benign for FAH-related condition. Last evaluated: 2023-11-05. Review status: no assertion criteria provided. Collection method: clinical testing. Allele origin: germline. Not counted in ClinVar's aggregate classification.
Comment: This variant is classified as likely benign based on ACMG/AMP sequence variant interpretation guidelines (Richards et al. 2015 PMID: 25741868, with internal and published modifications).